The following is an entry in ClinVar:

ClinVar aggregate classification (germline): Uncertain significance (1 of 4 stars; one submission).

Conditions:
Cardiovascular phenotype. Identifiers: MedGen CN230736.

gnomAD v4.1: 3 of 1,614,016 alleles (0.00019%); highest among the groups gnomAD compares: Non-Finnish European, 0.00025%; no homozygotes.

Submission:

Ambry Genetics
Classification: Uncertain significance for Cardiovascular phenotype. Last evaluated: 2026-03-29. Review status: criteria provided, single submitter. Criteria: Ambry Variant Classification Scheme 2023. Collection method: clinical testing. Allele origin: germline.
Comment: The p.E201D variant (also known as c.603A>T), located in coding exon 6 of the ABCA1 gene, results from an A to T substitution at nucleotide position 603. The glutamic acid at codon 201 is replaced by aspartic acid, an amino acid with highly similar properties. This amino acid position is conserved. In addition, this alteration is predicted to be tolerated by in silico analysis. Based on the available evidence, the clinical significance of this variant remains unclear.

NM_005502.4(ABCA1):c.603A>T (p.Glu201Asp)

Gene: ABCA1 (ATP binding cassette subfamily A member 1; minus strand). Cytogenetic location: 9q31.1.
Variant type: single nucleotide variant.
Coding change: c.603A>T on transcript NM_005502.4 (MANE Select); coding-DNA position 603, A replaced by T.
Protein change: p.Glu201Asp; replaces glutamic acid 201 with aspartic acid.
Molecular consequence: missense variant.
Genome position (GRCh38, 1-based): chr9:104,858,639, T>A on the plus strand (A>T on the coding strand, the complement: ABCA1 is on the minus strand). VCF-style: chr9-104858639-T-A. GRCh37 (hg19) VCF-style: chr9-107620920-T-A.
Other names: short protein forms E201D.
Identifiers: ClinVar variation 4867896 (VCV004867896.1).